The following is an entry in ClinVar:

NM_004237.4(TRIP13):c.423C>T (p.Tyr141=)

Gene: TRIP13 (thyroid hormone receptor interactor 13; plus strand). Cytogenetic location: 5p15.33.
Variant type: single nucleotide variant.
Coding change: c.423C>T on transcript NM_004237.4 (MANE Select); coding-DNA position 423, C replaced by T.
Protein change: p.Tyr141=; no amino-acid change (tyrosine 141 retained).
Molecular consequence: synonymous variant.
Genome position (GRCh38, 1-based): chr5:900,528, C>T. VCF-style: chr5-900528-C-T. GRCh37 (hg19) VCF-style: chr5-900643-C-T.
Other names: c.423C>T, p.Tyr141= (NM_001166260.2).
Identifiers: ClinVar variation 3061491 (VCV003061491.2), dbSNP rs1240211104, ClinGen allele CA442968166.

ClinVar aggregate classification (germline): Likely benign (0 of 4 stars; one submission).

Conditions:
TRIP13-related disorder. Also called: TRIP13-related condition.

Allele frequency attached by ClinVar (database versions not stated): gnomAD 0.00001; TOPMed 0.00001; gnomAD exomes 0.00002.
gnomAD v4.1: 32 of 1,611,556 alleles (0.002%); highest among the groups gnomAD compares: African/African-American, 0.0027%; no homozygotes.

Submission:

PreventionGenetics, part of Exact Sciences
Classification: Likely benign for TRIP13-related condition. Last evaluated: 2021-12-17. Review status: no assertion criteria provided. Collection method: clinical testing. Allele origin: germline.
Comment: This variant is classified as likely benign based on ACMG/AMP sequence variant interpretation guidelines (Richards et al. 2015 PMID: 25741868, with internal and published modifications).